The following is an entry in ClinVar:

NM_001330078.2(NRXN1):c.798G>A (p.Ala266=)

Gene: NRXN1 (neurexin 1; minus strand). Cytogenetic location: 2p16.3.
Variant type: single nucleotide variant.
Coding change: c.798G>A on transcript NM_001330078.2 (MANE Select); coding-DNA position 798, G replaced by A.
Protein change: p.Ala266=; no amino-acid change (alanine 266 retained).
Molecular consequence: synonymous variant. On other transcripts: intron variant (4).
Genome position (GRCh38, 1-based): chr2:50,922,680, C>T on the plus strand (G>A on the coding strand, the complement: NRXN1 is on the minus strand). VCF-style: chr2-50922680-C-T. GRCh37 (hg19) VCF-style: chr2-51149818-C-T.
Other names: p.A299A:GCG>GCA; c.897G>A, p.Ala299= (NM_001135659.3); c.798G>A, p.Ala266= (NM_001330077.2, NM_001330081.2, NM_001330082.2 and 6 more transcripts); c.795G>A, p.Ala265= (NM_001330079.2, NM_001330093.2); c.780G>A, p.Ala260= (NM_001330088.2, NM_001330089.2); c.772+104822G>A (NM_001330096.2, NM_001330087.2, NM_001330083.2 and 1 more transcripts); c.897G>A (NM_001135659.2).
Identifiers: ClinVar variation 138542 (VCV000138542.14), dbSNP rs201027928, ClinGen allele CA292586.

ClinVar aggregate classification (germline): Benign/Likely benign. Review status: criteria provided, multiple submitters, no conflicts (2 of 4 stars). 4 submissions from 4 submitters: Benign (1); Likely benign (2). 1 of the submissions does not count toward it. Last evaluated 2025-04-17.

Conditions:
Pitt-Hopkins-like syndrome 2 (PTHSL2). Identifiers: Orphanet 221150, Orphanet 600663, MedGen C3280479, MONDO:0013690, OMIM 614325.
NRXN1-related disorder.

Allele frequency attached by ClinVar (database versions not stated): gnomAD 0.00005 and 0.00006; gnomAD exomes 0.00007 and 0.00008; ExAC 0.00008; TOPMed 0.00009; ESP Exome Variant Server 0.00016.
gnomAD v4.1: 108 of 1,610,212 alleles (0.0067%); highest among the groups gnomAD compares: Non-Finnish European, 0.0076%; no homozygotes.

Submissions (4):

Labcorp Genetics (formerly Invitae), Labcorp
Classification: Likely benign for Pitt-Hopkins-like syndrome 2. Last evaluated: 2025-04-17. Review status: criteria provided, single submitter. Criteria: Invitae Variant Classification Sherloc (09022015). Collection method: clinical testing. Allele origin: germline.

Blueprint Genetics
Classification: Likely benign. Last evaluated: 2023-10-26. Review status: criteria provided, single submitter. Criteria: ACMG Guidelines, 2015. Collection method: clinical testing. Allele origin: germline.

GeneDx
Classification: Benign. Last evaluated: 2014-04-02. Review status: criteria provided, single submitter. Criteria: GeneDx Variant Classification (06012015). Collection method: clinical testing. Allele origin: germline. Affected: yes.
Comment: This variant is considered likely benign or benign based on one or more of the following criteria: it is a conservative change, it occurs at a poorly conserved position in the protein, it is predicted to be benign by multiple in silico algorithms, and/or has population frequency not consistent with disease.

PreventionGenetics, part of Exact Sciences
Classification: Likely benign for NRXN1-related condition. Last evaluated: 2019-05-14. Review status: no assertion criteria provided. Collection method: clinical testing. Allele origin: germline. Not counted in ClinVar's aggregate classification.
Comment: This variant is classified as likely benign based on ACMG/AMP sequence variant interpretation guidelines (Richards et al. 2015 PMID: 25741868, with internal and published modifications).